The following is an entry in ClinVar:

NM_012469.4(PRPF6):c.2120A>G (p.Asp707Gly)

Gene: PRPF6 (pre-mRNA processing factor 6; plus strand). Cytogenetic location: 20q13.33.
Variant type: single nucleotide variant.
Coding change: c.2120A>G on transcript NM_012469.4 (MANE Select); coding-DNA position 2120, A replaced by G.
Protein change: p.Asp707Gly; replaces aspartic acid 707 with glycine.
Molecular consequence: missense variant.
Genome position (GRCh38, 1-based): chr20:64,027,073, A>G. VCF-style: chr20-64027073-A-G. GRCh37 (hg19) VCF-style: chr20-62658426-A-G.
Other names: short protein forms D707G.
Identifiers: ClinVar variation 4071654 (VCV004071654.1).
Genomic context (GRCh38, chr20:64,027,073, plus strand): 5'-TGCAAGACAACATCAGGGCAGCCCAAGATCTGTGCGAGGAGGCCCTGCGGCACTATGAGG[A>G]CTTCCCCAAGCTGTGGATGATGAAGGGGCAGATCGAGGAGCAGAAGGAGATGATGGAGAA-3'
Protein context (NP_036601.2, residues 697-717): LCEEALRHYE[Asp707Gly]FPKLWMMKGQ

ClinVar aggregate classification (germline): Uncertain significance (1 of 4 stars; one submission).

Submission:

GeneDx
Classification: Uncertain significance. Last evaluated: 2025-01-19. Review status: criteria provided, single submitter. Criteria: GeneDx Variant Classification Process June 2021. Collection method: clinical testing. Allele origin: germline. Affected: yes.
Comment: Not observed at significant frequency in large population cohorts (gnomAD); In silico analysis supports that this missense variant has a deleterious effect on protein structure/function; Has not been previously published as pathogenic or benign to our knowledge